The following is an entry in ClinVar:

ClinVar aggregate classification (germline): Pathogenic. Review status: criteria provided, multiple submitters, no conflicts (2 of 4 stars). 2 submissions from 2 submitters: Pathogenic (2). Last evaluated 2023-12-08.

Conditions:
Hereditary cancer-predisposing syndrome. Also called: Hereditary neoplastic syndrome; Tumor predisposition; Neoplastic Syndromes, Hereditary; Hereditary Cancer Syndrome. Identifiers: Orphanet 140162, MedGen C0027672, MeSH D009386, MONDO:0015356.

Submissions (2):

Labcorp Genetics (formerly Invitae), Labcorp
Classification: Pathogenic. Last evaluated: 2023-12-08. Review status: criteria provided, single submitter. Criteria: Invitae Variant Classification Sherloc (09022015). Collection method: clinical testing. Allele origin: germline.
Comment: This sequence change creates a premature translational stop signal (p.Met380*) in the FH gene. It is expected to result in an absent or disrupted protein product. Loss-of-function variants in FH are known to be pathogenic (PMID: 11865300, 21398687). This variant is not present in population databases (gnomAD no frequency). This variant has not been reported in the literature in individuals affected with FH-related conditions. ClinVar contains an entry for this variant (Variation ID: 572058). For these reasons, this variant has been classified as Pathogenic.

Ambry Genetics
Classification: Pathogenic for Hereditary cancer-predisposing syndrome. Last evaluated: 2023-12-06. Review status: criteria provided, single submitter. Criteria: Ambry Variant Classification Scheme 2023. Collection method: clinical testing. Allele origin: germline.
Comment: The c.1138delA pathogenic mutation, located in coding exon 8 of the FH gene, results from a deletion of one nucleotide at nucleotide position 1138, causing a translational frameshift with a predicted alternate stop codon (p.M380*). This variant is considered to be rare based on population cohorts in the Genome Aggregation Database (gnomAD). This alteration is expected to result in loss of function by premature protein truncation or nonsense-mediated mRNA decay. As such, this alteration is interpreted as a disease-causing mutation.

Literature cited by the submitters: PubMed 11865300 (cited by Labcorp Genetics (formerly Invitae), Labcorp); PubMed 21398687 (cited by Labcorp Genetics (formerly Invitae), Labcorp); PubMed 29625052 (cited by Ambry Genetics).

NM_000143.4(FH):c.1138del (p.Ala379_Met380insTer)

Gene: FH (fumarate hydratase; minus strand). Cytogenetic location: 1q43.
Variant type: Deletion.
Coding change: c.1138del on transcript NM_000143.4 (MANE Select); coding-DNA position 1138, one base deleted (A; older notation c.1138delA).
Protein change: p.Ala379_Met380insTer.
Molecular consequence: nonsense.
Genome position (GRCh38, 1-based): chr1:241,502,541, T deleted on the plus strand (A on the coding strand, the reverse complement: FH is on the minus strand); the first of 2 consecutive T bases (chr1:241,502,541-241,502,542); deleting either gives the same sequence. VCF-style (leftmost placement, unchanged base first): chr1-241502540-AT-A. GRCh37 (hg19) VCF-style: chr1-241665840-AT-A.
Other names: c.1138delA (NM_000143.3).
Identifiers: ClinVar variation 572058 (VCV000572058.10), dbSNP rs781466938, ClinGen allele CA891843177.
Genomic context (GRCh38, chr1:241,502,540, plus strand): 5'-TTGCTGCCTCCGACAGTGACAGCAACATGGTTCCCCATGACTTGGGCTGCAACCATGGTC[AT>A]TGCTTCACACTGAGTAGGGTTCACCTTGCCTTCAAGAAAACCACCAATGACAGAGTAAAG-3'